The following is an entry in ClinVar:

NM_004333.6(BRAF):c.608+4T>C

Gene: BRAF (B-Raf proto-oncogene, serine/threonine kinase; minus strand). Cytogenetic location: 7q34.
Variant type: single nucleotide variant.
Coding change: c.608+4T>C on transcript NM_004333.6 (MANE Select); 4 bases into the intron after coding-DNA position 608, T replaced by C.
Molecular consequence: intron variant. On other transcripts: synonymous variant (1).
Genome position (GRCh38, 1-based): chr7:140,808,888, A>G on the plus strand (T>C on the coding strand, the complement: BRAF is on the minus strand). VCF-style: chr7-140808888-A-G. GRCh37 (hg19) VCF-style: chr7-140508688-A-G.
Other names: c.612T>C, p.Tyr204= (NM_001378467.1); c.608+4T>C (NM_001378474.1, NM_001378471.1, NM_001378468.1 and 4 more transcripts); c.506+4T>C (NM_001378470.1); c.344+4T>C (NM_001378475.1); c.452+4T>C (NM_001378472.1, NM_001378473.1).
Identifiers: ClinVar variation 1493327 (VCV001493327.9), dbSNP rs757973379, ClinGen allele CA4516942.
Genomic context (GRCh38, chr7:140,808,888, plus strand): 5'-AACTTCAAAGTTTAATGTGTGATTTTCTTTTTAAACAAAATTTCACGTCACATACAAACC[A>G]TACCCATCCTGAATTCTGTAAACAGCACAGCACTCTGGGATTAGACCTCTCATCATCAGT-3'

ClinVar aggregate classification (germline): Conflicting classifications of pathogenicity. Review status: criteria provided, conflicting classifications (1 of 4 stars). 2 submissions from 2 submitters: Uncertain significance (1); Likely benign (1). Last evaluated 2024-09-28.

Conditions:
RASopathy. Also called: Noonan spectrum disorder; rasopathies. Identifiers: Orphanet 536391, MedGen C5555857, MONDO:0021060.

Allele frequency attached by ClinVar (database versions not stated): ExAC 0.00001; gnomAD exomes 0.00001 and 0.00002.
gnomAD v4.1: 14 of 1,607,692 alleles (0.00087%); highest among the groups gnomAD compares: East Asian, 0.029%; no homozygotes.

Submissions (2):

Labcorp Genetics (formerly Invitae), Labcorp
Classification: Uncertain significance for RASopathy. Last evaluated: 2024-09-28. Review status: criteria provided, single submitter. Criteria: Invitae Variant Classification Sherloc (09022015). Collection method: clinical testing. Allele origin: germline.
Comment: This sequence change falls in intron 4 of the BRAF gene. It does not directly change the encoded amino acid sequence of the BRAF protein. It affects a nucleotide within the consensus splice site. This variant is present in population databases (rs757973379, gnomAD 0.01%). This variant has not been reported in the literature in individuals affected with BRAF-related conditions. ClinVar contains an entry for this variant (Variation ID: 1493327). Variants that disrupt the consensus splice site are a relatively common cause of aberrant splicing (PMID: 17576681, 9536098). Algorithms developed to predict the effect of sequence changes on RNA splicing suggest that this variant is not likely to affect RNA splicing. In summary, the available evidence is currently insufficient to determine the role of this variant in disease. Therefore, it has been classified as a Variant of Uncertain Significance.

Blueprint Genetics
Classification: Likely benign. Last evaluated: 2023-07-13. Review status: criteria provided, single submitter. Criteria: ACMG Guidelines, 2015. Collection method: clinical testing. Allele origin: germline.

Literature cited by the submitters: PubMed 17576681 (cited by Labcorp Genetics (formerly Invitae), Labcorp); PubMed 9536098 (cited by Labcorp Genetics (formerly Invitae), Labcorp).